The following is an entry in ClinVar:

NM_000038.6(APC):c.6530A>T (p.Glu2177Val)

Gene: APC (APC regulator of Wnt signaling pathway; plus strand). Cytogenetic location: 5q22.2.
Variant type: single nucleotide variant.
Coding change: c.6530A>T on transcript NM_000038.6 (MANE Select); coding-DNA position 6530, A replaced by T.
Protein change: p.Glu2177Val; replaces glutamic acid 2177 with valine.
Molecular consequence: missense variant. On other transcripts: non-coding transcript variant (2).
Genome position (GRCh38, 1-based): chr5:112,842,124, A>T. VCF-style: chr5-112842124-A-T. GRCh37 (hg19) VCF-style: chr5-112177821-A-T.
Other names: c.6530A>T, p.Glu2177Val (NM_001127510.3, NM_001354895.2, NM_001407450.1); c.6476A>T, p.Glu2159Val (NM_001127511.3); c.6584A>T, p.Glu2195Val (NM_001354896.2, NM_001407447.1, NM_001407448.1 and 1 more transcripts); c.6560A>T, p.Glu2187Val (NM_001354897.2); c.6455A>T, p.Glu2152Val (NM_001354898.2); c.6446A>T, p.Glu2149Val (NM_001354899.2); c.6407A>T, p.Glu2136Val (NM_001354900.2); c.6353A>T, p.Glu2118Val (NM_001354901.2, NM_001407453.1); and 11 more; short protein forms E1894V, E2017V, E2051V, E2076V, E2094V, E2136V, E2167V, E2048V.
Identifiers: ClinVar variation 3411475 (VCV003411475.1).

ClinVar aggregate classification (germline): Uncertain significance (1 of 4 stars; one submission).

Conditions:
Hereditary cancer-predisposing syndrome. Also called: Neoplastic Syndromes, Hereditary; Tumor predisposition; Hereditary Cancer Syndrome; Hereditary neoplastic syndrome. Identifiers: Orphanet 140162, MedGen C0027672, MeSH D009386, MONDO:0015356.

Submission:

Ambry Genetics
Classification: Uncertain significance for Hereditary cancer-predisposing syndrome. Last evaluated: 2024-10-01. Review status: criteria provided, single submitter. Criteria: Ambry Variant Classification Scheme 2023. Collection method: clinical testing. Allele origin: germline.
Comment: The p.E2177V variant (also known as c.6530A>T), located in coding exon 15 of the APC gene, results from an A to T substitution at nucleotide position 6530. The glutamic acid at codon 2177 is replaced by valine, an amino acid with dissimilar properties. This amino acid position is conserved. In addition, in silico predictors for this gene do not accurately predict pathogenicity. Based on the available evidence, the clinical significance of this variant remains unclear.